The following is an entry in ClinVar:

ClinVar aggregate classification (germline): Likely benign. Review status: criteria provided, multiple submitters, no conflicts (2 of 4 stars). 3 submissions from 3 submitters: Likely benign (2). 1 of the submissions does not count toward it. Last evaluated 2026-01-01.

Conditions:
MYH9-related disorder. Identifiers: MedGen C1854520.

Submissions (3):

Labcorp Genetics (formerly Invitae), Labcorp
Classification: Likely benign. Last evaluated: 2026-01-01. Review status: criteria provided, single submitter. Criteria: Invitae Variant Classification Sherloc (09022015). Collection method: clinical testing. Allele origin: germline.

Blueprint Genetics
Classification: Likely benign. Last evaluated: 2023-09-07. Review status: criteria provided, single submitter. Criteria: ACMG Guidelines, 2015. Collection method: clinical testing. Allele origin: germline.

PreventionGenetics, part of Exact Sciences
Classification: Likely benign for MYH9-related condition. Last evaluated: 2021-09-07. Review status: no assertion criteria provided. Collection method: clinical testing. Allele origin: germline. Not counted in ClinVar's aggregate classification.
Comment: This variant is classified as likely benign based on ACMG/AMP sequence variant interpretation guidelines (Richards et al. 2015 PMID: 25741868, with internal and published modifications).

NM_002473.6(MYH9):c.2632-8_2632-6del

Genes: MYH9 (myosin heavy chain 9; minus strand), LOC126863137 (CDK7 strongly-dependent group 2 enhancer GRCh37_chr22:36696002-36697201; plus strand). Cytogenetic location: 22q12.3.
Variant type: Microsatellite.
Coding change: c.2632-8_2632-6del on transcript NM_002473.6 (MANE Select); 8 bases into the intron before coding-DNA position 2632 through 6 bases into the intron before coding-DNA position 2632, 3 bases deleted (GTT; older notation c.2632-8_2632-6delGTT).
Molecular consequence: intron variant.
Genome position (GRCh38, 1-based): chr22:36,301,063-36,301,065, AAC deleted on the plus strand (GTT on the coding strand, the reverse complement: MYH9 is on the minus strand); deleting any 3 consecutive bases within chr22:36,301,063-36,301,070 gives the same sequence; the c. name uses the placement nearest the transcript's 3' end. VCF-style (leftmost placement, unchanged base first): chr22-36301062-AAAC-A. GRCh37 (hg19) VCF-style: chr22-36697108-AAAC-A.
Other names: c.2632-8_2632-6delGTT (NM_002473.5).
Identifiers: ClinVar variation 341518 (VCV000341518.15), dbSNP rs773975934, ClinGen allele CA10209896.